The following is an entry in ClinVar:

ClinVar aggregate classification (germline): Likely benign (1 of 4 stars; one submission).

Allele frequency attached by ClinVar (database versions not stated): gnomAD exomes 0.00158; ESP Exome Variant Server 0.00177; ExAC 0.00226; gnomAD 0.00228; 1000 Genomes Project 30x 0.00250; 1000 Genomes Project 0.00260; TOPMed 0.00362.
gnomAD v4.1: 2,863 of 1,614,182 alleles (0.18%); highest among the groups gnomAD compares: Middle Eastern, 2.9%; 43 homozygotes.

Submissions (27):

CeGaT Center for Human Genetics Tuebingen
Classification: Likely benign. Last evaluated: 2023-02-01. Review status: criteria provided, single submitter. Criteria: CeGaT Center For Human Genetics Tuebingen Variant Classification Criteria Version 2. Collection method: clinical testing. Allele origin: germline. Affected: yes. Observed: 1 variant allele.
Comment: PSME1: BP4, BP7, BS2

Dr. Peter K. Rogan Lab, Western University
No classification provided (evidence only). Condition: Clear cell carcinoma of kidney. Review status: no classification provided. Collection method: in vitro. Allele origin: not applicable. Functional consequence: retained intron. Not counted in ClinVar's aggregate classification.

Dr. Peter K. Rogan Lab, Western University
No classification provided (evidence only). Condition: Clear cell carcinoma of kidney. Review status: no classification provided. Collection method: in vitro. Allele origin: not applicable. Functional consequence: retained intron. Not counted in ClinVar's aggregate classification.

Dr. Peter K. Rogan Lab, Western University
No classification provided (evidence only). Condition: Clear cell carcinoma of kidney. Review status: no classification provided. Collection method: in vitro. Allele origin: not applicable. Functional consequence: retained intron. Not counted in ClinVar's aggregate classification.

Dr. Peter K. Rogan Lab, Western University
No classification provided (evidence only). Condition: Clear cell carcinoma of kidney. Review status: no classification provided. Collection method: in vitro. Allele origin: not applicable. Functional consequence: retained intron. Not counted in ClinVar's aggregate classification.

Dr. Peter K. Rogan Lab, Western University
No classification provided (evidence only). Condition: Familial cancer of breast. Review status: no classification provided. Collection method: in vitro. Allele origin: not applicable. Functional consequence: retained intron. Not counted in ClinVar's aggregate classification.

Dr. Peter K. Rogan Lab, Western University
No classification provided (evidence only). Condition: Colon adenocarcinoma. Review status: no classification provided. Collection method: in vitro. Allele origin: not applicable. Functional consequence: retained intron. Not counted in ClinVar's aggregate classification.

Dr. Peter K. Rogan Lab, Western University
No classification provided (evidence only). Condition: Colorectal cancer. Review status: no classification provided. Collection method: in vitro. Allele origin: not applicable. Functional consequence: retained intron. Not counted in ClinVar's aggregate classification.

Dr. Peter K. Rogan Lab, Western University
No classification provided (evidence only). Condition: Thyroid cancer, nonmedullary, 1. Review status: no classification provided. Collection method: in vitro. Allele origin: not applicable. Functional consequence: retained intron. Not counted in ClinVar's aggregate classification.

Dr. Peter K. Rogan Lab, Western University
No classification provided (evidence only). Condition: Thyroid cancer, nonmedullary, 1. Review status: no classification provided. Collection method: in vitro. Allele origin: not applicable. Functional consequence: retained intron. Not counted in ClinVar's aggregate classification.

Dr. Peter K. Rogan Lab, Western University
No classification provided (evidence only). Condition: Thyroid cancer, nonmedullary, 1. Review status: no classification provided. Collection method: in vitro. Allele origin: not applicable. Functional consequence: retained intron. Not counted in ClinVar's aggregate classification.

Dr. Peter K. Rogan Lab, Western University
No classification provided (evidence only). Condition: Thyroid cancer, nonmedullary, 1. Review status: no classification provided. Collection method: in vitro. Allele origin: not applicable. Functional consequence: retained intron. Not counted in ClinVar's aggregate classification.

Dr. Peter K. Rogan Lab, Western University
No classification provided (evidence only). Condition: Thyroid cancer, nonmedullary, 1. Review status: no classification provided. Collection method: in vitro. Allele origin: not applicable. Functional consequence: retained intron. Not counted in ClinVar's aggregate classification.

Dr. Peter K. Rogan Lab, Western University
No classification provided (evidence only). Condition: Thyroid cancer, nonmedullary, 1. Review status: no classification provided. Collection method: in vitro. Allele origin: not applicable. Functional consequence: retained intron. Not counted in ClinVar's aggregate classification.

Dr. Peter K. Rogan Lab, Western University
No classification provided (evidence only). Condition: Thyroid cancer, nonmedullary, 1. Review status: no classification provided. Collection method: in vitro. Allele origin: not applicable. Functional consequence: retained intron. Not counted in ClinVar's aggregate classification.

Dr. Peter K. Rogan Lab, Western University
No classification provided (evidence only). Condition: Thyroid cancer, nonmedullary, 1. Review status: no classification provided. Collection method: in vitro. Allele origin: not applicable. Functional consequence: retained intron. Not counted in ClinVar's aggregate classification.

Dr. Peter K. Rogan Lab, Western University
No classification provided (evidence only). Condition: Cervical cancer. Review status: no classification provided. Collection method: in vitro. Allele origin: not applicable. Functional consequence: retained intron. Not counted in ClinVar's aggregate classification.

Dr. Peter K. Rogan Lab, Western University
No classification provided (evidence only). Condition: Sarcoma. Review status: no classification provided. Collection method: in vitro. Allele origin: not applicable. Functional consequence: retained intron. Not counted in ClinVar's aggregate classification.

Dr. Peter K. Rogan Lab, Western University
No classification provided (evidence only). Condition: Sarcoma. Review status: no classification provided. Collection method: in vitro. Allele origin: not applicable. Functional consequence: retained intron. Not counted in ClinVar's aggregate classification.

Dr. Peter K. Rogan Lab, Western University
No classification provided (evidence only). Condition: Sarcoma. Review status: no classification provided. Collection method: in vitro. Allele origin: not applicable. Functional consequence: retained intron. Not counted in ClinVar's aggregate classification.

Dr. Peter K. Rogan Lab, Western University
No classification provided (evidence only). Condition: Hepatocellular carcinoma. Review status: no classification provided. Collection method: in vitro. Allele origin: not applicable. Functional consequence: retained intron. Not counted in ClinVar's aggregate classification.

Dr. Peter K. Rogan Lab, Western University
No classification provided (evidence only). Condition: Hepatocellular carcinoma. Review status: no classification provided. Collection method: in vitro. Allele origin: not applicable. Functional consequence: retained intron. Not counted in ClinVar's aggregate classification.

Dr. Peter K. Rogan Lab, Western University
No classification provided (evidence only). Condition: Ovarian serous cystadenocarcinoma. Review status: no classification provided. Collection method: in vitro. Allele origin: not applicable. Functional consequence: retained intron. Not counted in ClinVar's aggregate classification.

Dr. Peter K. Rogan Lab, Western University
No classification provided (evidence only). Condition: Ovarian serous cystadenocarcinoma. Review status: no classification provided. Collection method: in vitro. Allele origin: not applicable. Functional consequence: retained intron. Not counted in ClinVar's aggregate classification.

Dr. Peter K. Rogan Lab, Western University
No classification provided (evidence only). Condition: Ovarian serous cystadenocarcinoma. Review status: no classification provided. Collection method: in vitro. Allele origin: not applicable. Functional consequence: retained intron. Not counted in ClinVar's aggregate classification.

Dr. Peter K. Rogan Lab, Western University
No classification provided (evidence only). Condition: Gastric cancer. Review status: no classification provided. Collection method: in vitro. Allele origin: not applicable. Functional consequence: retained intron. Not counted in ClinVar's aggregate classification.

Dr. Peter K. Rogan Lab, Western University
No classification provided (evidence only). Condition: Adrenocortical carcinoma, hereditary. Review status: no classification provided. Collection method: in vitro. Allele origin: not applicable. Functional consequence: retained intron. Not counted in ClinVar's aggregate classification.

NM_006263.4(PSME1):c.333G>T (p.Val111=)

Gene: PSME1 (proteasome activator subunit 1; plus strand). Cytogenetic location: 14q12.
Variant type: single nucleotide variant.
Coding change: c.333G>T on transcript NM_006263.4 (MANE Select); coding-DNA position 333, G replaced by T.
Protein change: p.Val111=; no amino-acid change (valine 111 retained).
Molecular consequence: synonymous variant.
Genome position (GRCh38, 1-based): chr14:24,137,740, G>T. VCF-style: chr14-24137740-G-T. GRCh37 (hg19) VCF-style: chr14-24606949-G-T.
Other names: NC_000014.8:g.24606949G>T; c.333G>T, p.Val111= (NM_001281528.2, NM_001281529.2, NM_176783.3).
Identifiers: ClinVar variation 2644129 (VCV002644129.25), dbSNP rs150529650, ClinGen allele CA7124645.
Genomic context (GRCh38, chr14:24,137,740, plus strand): 5'-ACCCATTGCTCACTCTCTAGGTCCTCCCTGTGGCCCAGTGAACTGCAATGAAAAGATCGT[G>T]GTCCTTCTGCAGCGCTTGAAGCCTGAGATCAAGGATGTCATTGAGCAGCTCAACCTGGTA-3'
Protein context (NP_006254.1, residues 101-121): CGPVNCNEKI[Val111=]VLLQRLKPEI